The following is an entry in ClinVar:

NM_000455.5(STK11):c.112C>A (p.Pro38Thr)

Gene: STK11 (serine/threonine kinase 11; plus strand). Cytogenetic location: 19p13.3.
Variant type: single nucleotide variant.
Coding change: c.112C>A on transcript NM_000455.5 (MANE Select); coding-DNA position 112, C replaced by A.
Protein change: p.Pro38Thr; replaces proline 38 with threonine.
Molecular consequence: missense variant.
Genome position (GRCh38, 1-based): chr19:1,207,025, C>A. VCF-style: chr19-1207025-C-A. GRCh37 (hg19) VCF-style: chr19-1207024-C-A.
Other names: short protein forms P38T.
Identifiers: ClinVar variation 403766 (VCV000403766.8), dbSNP rs1060499954, ClinGen allele CA16616001.
Genomic context (GRCh38, chr19:1,207,025, plus strand): 5'-ATGTCGGTGGGTATGGACACGTTCATCCACCGCATCGACTCCACCGAGGTCATCTACCAG[C>A]CGCGCCGCAAGCGGGCCAAGCTCATCGGCAAGTACCTGATGGGGGACCTGCTGGGGGAAG-3'
Protein context (NP_000446.1, residues 28-48): RIDSTEVIYQ[Pro38Thr]RRKRAKLIGK

ClinVar aggregate classification (germline): Uncertain significance (1 of 4 stars; one submission).

Conditions:
Peutz-Jeghers syndrome (PJS). Also called: Peutz-Jeghers polyposis; Periorificial lentiginosis syndrome; POLYPOSIS, HAMARTOMATOUS INTESTINAL; POLYPS-AND-SPOTS SYNDROME. Identifiers: Orphanet 2869, MedGen C0031269, MeSH D010580, MONDO:0008280, OMIM 175200.

Submission:

Labcorp Genetics (formerly Invitae), Labcorp
Classification: Uncertain significance for Peutz-Jeghers syndrome. Last evaluated: 2016-11-16. Review status: criteria provided, single submitter. Criteria: Invitae Variant Classification Sherloc (09022015). Collection method: clinical testing. Allele origin: germline.
Comment: This variant is not present in population databases (ExAC no frequency) and has not been reported in the literature in individuals with a STK11-related disease. In summary, this variant is a novel missense change with uncertain impact on protein function. It has been classified as a Variant of Uncertain Significance. Algorithms developed to predict the effect of missense changes on protein structure and function do not agree on the potential impact of this missense change (SIFT: "Deleterious"; PolyPhen-2: "Benign"; Align-GVGD: "Class C0"). This sequence change replaces proline with threonine at codon 38 of the STK11 protein (p.Pro38Thr). The proline residue is highly conserved and there is a small physicochemical difference between proline and threonine.